The following is an entry in ClinVar:

NM_018965.4(TREM2):c.424T>C (p.Trp142Arg)

Gene: TREM2 (triggering receptor expressed on myeloid cells 2; minus strand). Cytogenetic location: 6p21.1.
Variant type: single nucleotide variant.
Coding change: c.424T>C on transcript NM_018965.4 (MANE Select); coding-DNA position 424, T replaced by C.
Protein change: p.Trp142Arg; replaces tryptophan 142 with arginine.
Molecular consequence: missense variant.
Genome position (GRCh38, 1-based): chr6:41,159,850, A>G on the plus strand (T>C on the coding strand, the complement: TREM2 is on the minus strand). VCF-style: chr6-41159850-A-G. GRCh37 (hg19) VCF-style: chr6-41127588-A-G.
Other names: c.424T>C, p.Trp142Arg (NM_001271821.2); short protein forms W142R.
Identifiers: ClinVar variation 2961094 (VCV002961094.1), dbSNP rs778620014, ClinGen allele CA364058226.
Genomic context (GRCh38, chr6:41,159,850, plus strand): 5'-ACCTGGAGATGCTGTGCTCCACATGGGCATCCTCGAAGCTCTCAGACTCCCCGGGGAACC[A>G]GAGATCTCCAGCATCCCGGTGATCCAGGGGGTCTATGGGAGGCAGAGCCATGAGCCTCCA-3'
Protein context (NP_061838.1, residues 132-152): PLDHRDAGDL[Trp142Arg]FPGESESFED

ClinVar aggregate classification (germline): Uncertain significance (1 of 4 stars; one submission).

Submission:

Labcorp Genetics (formerly Invitae), Labcorp
Classification: Uncertain significance. Last evaluated: 2023-06-19. Review status: criteria provided, single submitter. Criteria: Invitae Variant Classification Sherloc (09022015). Collection method: clinical testing. Allele origin: germline.
Comment: In summary, the available evidence is currently insufficient to determine the role of this variant in disease. Therefore, it has been classified as a Variant of Uncertain Significance. An algorithm developed to predict the effect of missense changes on protein structure and function (PolyPhen-2) suggests that this variant is likely to be disruptive. This variant has not been reported in the literature in individuals affected with TREM2-related conditions. This variant is not present in population databases (gnomAD no frequency). This sequence change replaces tryptophan, which is neutral and slightly polar, with arginine, which is basic and polar, at codon 142 of the TREM2 protein (p.Trp142Arg).